The following is an entry in ClinVar:

NM_004656.4(BAP1):c.1417A>T (p.Ser473Cys)

Gene: BAP1 (BRCA1 associated deubiquitinase 1; minus strand). Cytogenetic location: 3p21.1.
Variant type: single nucleotide variant.
Coding change: c.1417A>T on transcript NM_004656.4 (MANE Select); coding-DNA position 1417, A replaced by T.
Protein change: p.Ser473Cys; replaces serine 473 with cysteine.
Molecular consequence: missense variant.
Genome position (GRCh38, 1-based): chr3:52,403,728, T>A on the plus strand (A>T on the coding strand, the complement: BAP1 is on the minus strand). VCF-style: chr3-52403728-T-A. GRCh37 (hg19) VCF-style: chr3-52437744-T-A.
Other names: c.1363A>T, p.Ser455Cys (NM_001410772.1); short protein forms S455C, S473C.
Identifiers: ClinVar variation 2450426 (VCV002450426.5), dbSNP rs745988033, ClinGen allele CA353101465.

ClinVar aggregate classification (germline): Uncertain significance. Review status: criteria provided, multiple submitters, no conflicts (2 of 4 stars). 2 submissions from 2 submitters: Uncertain significance (2). Last evaluated 2023-09-08.

Conditions:
BAP1-related tumor predisposition syndrome (TPDS1). Also called: BAP1 tumor predisposition syndrome; Tumor susceptibility linked to germline BAP1 mutations; TUMOR PREDISPOSITION SYNDROME 1; COMMON Syndrome. Identifiers: Orphanet 289539, MedGen C3280492, MONDO:0013692, OMIM 614327.
Hereditary cancer-predisposing syndrome. Also called: Neoplastic Syndromes, Hereditary; Tumor predisposition; Hereditary neoplastic syndrome; Hereditary Cancer Syndrome. Identifiers: Orphanet 140162, MedGen C0027672, MeSH D009386, MONDO:0015356.

Submissions (2):

Labcorp Genetics (formerly Invitae), Labcorp
Classification: Uncertain significance for BAP1-related tumor predisposition syndrome. Last evaluated: 2023-09-08. Review status: criteria provided, single submitter. Criteria: Invitae Variant Classification Sherloc (09022015). Collection method: clinical testing. Allele origin: germline.
Comment: In summary, the available evidence is currently insufficient to determine the role of this variant in disease. Therefore, it has been classified as a Variant of Uncertain Significance. Advanced modeling of protein sequence and biophysical properties (such as structural, functional, and spatial information, amino acid conservation, physicochemical variation, residue mobility, and thermodynamic stability) performed at Invitae indicates that this missense variant is not expected to disrupt BAP1 protein function. ClinVar contains an entry for this variant (Variation ID: 2450426). This variant has not been reported in the literature in individuals affected with BAP1-related conditions. This variant is not present in population databases (gnomAD no frequency). This sequence change replaces serine, which is neutral and polar, with cysteine, which is neutral and slightly polar, at codon 473 of the BAP1 protein (p.Ser473Cys).

Ambry Genetics
Classification: Uncertain significance for Hereditary cancer-predisposing syndrome. Last evaluated: 2022-12-04. Review status: criteria provided, single submitter. Criteria: Ambry Variant Classification Scheme 2023. Collection method: clinical testing. Allele origin: germline.
Comment: The p.S473C variant (also known as c.1417A>T), located in coding exon 13 of the BAP1 gene, results from an A to T substitution at nucleotide position 1417. The serine at codon 473 is replaced by cysteine, an amino acid with dissimilar properties. This amino acid position is conserved. In addition, the in silico prediction for this alteration is inconclusive. Since supporting evidence is limited at this time, the clinical significance of this alteration remains unclear.